The following is an entry in ClinVar:

ClinVar aggregate classification (germline): Benign (1 of 4 stars; one submission).

Conditions:
Congenital myasthenic syndrome 4C (CMS4C). Also called: Myasthenic syndrome, congenital, associated with acetylcholine receptor deficiency. Identifiers: Orphanet 590, MedGen C1837091, MONDO:0012157, OMIM 608931.

Allele frequency attached by ClinVar (database versions not stated): gnomAD 0.00037 and 0.00257; TOPMed 0.00095; 1000 Genomes Project 0.01538; 1000 Genomes Project 30x 0.01562.

Submission:

Illumina Laboratory Services, Illumina
Classification: Benign for Congenital myasthenic syndrome 4C. Last evaluated: 2018-01-12. Review status: criteria provided, single submitter. Criteria: ICSL Variant Classification Criteria 13 December 2019. Collection method: clinical testing. Allele origin: germline.
Comment: This variant was observed in the ICSL laboratory as part of a predisposition screen in an ostensibly healthy population. It had not been previously curated by ICSL or reported in the Human Gene Mutation Database (HGMD: prior to June 1st, 2018), and was therefore a candidate for classification through an automated scoring system. Utilizing variant allele frequency, disease prevalence and penetrance estimates, and inheritance mode, an automated score was calculated to assess if this variant is too frequent to cause the disease. Based on the score and internal cut-off values, a variant classified as benign is not then subjected to further curation. The score for this variant resulted in a classification of benign for this disease.

NM_000747.3(CHRNB1):c.*755A>C

Gene: CHRNB1 (cholinergic receptor nicotinic beta 1 subunit; plus strand). Cytogenetic location: 17p13.1.
Variant type: single nucleotide variant.
Coding change: c.*755A>C on transcript NM_000747.3 (MANE Select); 755 bases downstream of the stop codon, A replaced by C.
Molecular consequence: 3 prime UTR variant.
Genome position (GRCh38, 1-based): chr17:7,457,478, A>C. VCF-style: chr17-7457478-A-C. GRCh37 (hg19) VCF-style: chr17-7360797-A-C.
Identifiers: ClinVar variation 325115 (VCV000325115.5), dbSNP rs80058486, ClinGen allele CA10650061.